The following is an entry in ClinVar:

ClinVar aggregate classification (germline): Uncertain significance. Review status: criteria provided, multiple submitters, no conflicts (2 of 4 stars). 2 submissions from 2 submitters: Uncertain significance (2). Last evaluated 2025-07-01.

Conditions:
Inborn genetic diseases. Identifiers: MedGen C0950123, MeSH D030342.

Allele frequency attached by ClinVar (database versions not stated): gnomAD exomes below 0.00001; ExAC 0.00001.

Submissions (2):

Ambry Genetics
Classification: Uncertain significance for Inborn genetic diseases. Last evaluated: 2025-07-01. Review status: criteria provided, single submitter. Criteria: Ambry Variant Classification Scheme 2023. Collection method: clinical testing. Allele origin: germline.

Labcorp Genetics (formerly Invitae), Labcorp
Classification: Uncertain significance. Last evaluated: 2022-10-17. Review status: criteria provided, single submitter. Criteria: Invitae Variant Classification Sherloc (09022015). Collection method: clinical testing. Allele origin: germline.
Comment: This sequence change replaces methionine, which is neutral and non-polar, with threonine, which is neutral and polar, at codon 1420 of the LRP2 protein (p.Met1420Thr). This variant is present in population databases (rs748525063, gnomAD 0.003%). This variant has not been reported in the literature in individuals affected with LRP2-related conditions. ClinVar contains an entry for this variant (Variation ID: 1433165). Advanced modeling of protein sequence and biophysical properties (such as structural, functional, and spatial information, amino acid conservation, physicochemical variation, residue mobility, and thermodynamic stability) performed at Invitae indicates that this missense variant is not expected to disrupt LRP2 protein function. In summary, the available evidence is currently insufficient to determine the role of this variant in disease. Therefore, it has been classified as a Variant of Uncertain Significance.

NM_004525.3(LRP2):c.4259T>C (p.Met1420Thr)

Gene: LRP2 (LDL receptor related protein 2; minus strand). Cytogenetic location: 2q31.1.
Variant type: single nucleotide variant.
Coding change: c.4259T>C on transcript NM_004525.3 (MANE Select); coding-DNA position 4259, T replaced by C.
Protein change: p.Met1420Thr; replaces methionine 1420 with threonine.
Molecular consequence: missense variant.
Genome position (GRCh38, 1-based): chr2:169,239,562, A>G on the plus strand (T>C on the coding strand, the complement: LRP2 is on the minus strand). VCF-style: chr2-169239562-A-G. GRCh37 (hg19) VCF-style: chr2-170096072-A-G.
Other names: c.4259T>C (NM_004525.2); short protein forms M1420T.
Identifiers: ClinVar variation 1433165 (VCV001433165.6), dbSNP rs748525063, ClinGen allele CA1954861.